The following is an entry in ClinVar:

ClinVar aggregate classification (germline): Uncertain significance. Review status: criteria provided, multiple submitters, no conflicts (2 of 4 stars). 3 submissions from 3 submitters: Uncertain significance (3). Last evaluated 2025-09-26.

Conditions:
Inborn genetic diseases. Identifiers: MedGen C0950123, MeSH D030342.
Charcot-Marie-Tooth disease dominant intermediate B (CMTDIB). Also called: CHARCOT-MARIE-TOOTH NEUROPATHY, DOMINANT INTERMEDIATE B; Charcot-Marie-Tooth disease dominant intermediate 1; CMT DI1; Charcot-Marie-Tooth disease dominant intermediate I. Identifiers: Orphanet 100044, Orphanet 228179, MedGen C1847902, MONDO:0011674, OMIM 606482.

Allele frequency attached by ClinVar (database versions not stated): TOPMed below 0.00001; gnomAD 0.00001.
gnomAD v4.1: 22 of 1,610,468 alleles (0.0014%); highest among the groups gnomAD compares: Non-Finnish European, 0.0017%; no homozygotes.

Submissions (3):

Ambry Genetics
Classification: Uncertain significance for Inborn genetic diseases. Last evaluated: 2025-09-26. Review status: criteria provided, single submitter. Criteria: Ambry Variant Classification Scheme 2023. Collection method: clinical testing. Allele origin: germline.

Labcorp Genetics (formerly Invitae), Labcorp
Classification: Uncertain significance for Charcot-Marie-Tooth disease dominant intermediate B. Last evaluated: 2024-10-07. Review status: criteria provided, single submitter. Criteria: Invitae Variant Classification Sherloc (09022015). Collection method: clinical testing. Allele origin: germline.
Comment: This sequence change replaces glutamic acid, which is acidic and polar, with lysine, which is basic and polar, at codon 865 of the DNM2 protein (p.Glu865Lys). The frequency data for this variant in the population databases is considered unreliable, as metrics indicate poor data quality at this position in the gnomAD database. This variant has not been reported in the literature in individuals affected with DNM2-related conditions. ClinVar contains an entry for this variant (Variation ID: 585794). Invitae Evidence Modeling of protein sequence and biophysical properties (such as structural, functional, and spatial information, amino acid conservation, physicochemical variation, residue mobility, and thermodynamic stability) indicates that this missense variant is not expected to disrupt DNM2 protein function with a negative predictive value of 95%. In summary, the available evidence is currently insufficient to determine the role of this variant in disease. Therefore, it has been classified as a Variant of Uncertain Significance.

Athena Diagnostics
Classification: Uncertain significance. Last evaluated: 2017-09-22. Review status: criteria provided, single submitter. Criteria: Athena Diagnostics Criteria. Collection method: clinical testing. Allele origin: germline.

NM_001005361.3(DNM2):c.2593G>A (p.Glu865Lys)

Gene: DNM2 (dynamin 2; plus strand). Cytogenetic location: 19p13.2.
Variant type: single nucleotide variant.
Coding change: c.2593G>A on transcript NM_001005361.3 (MANE Select); coding-DNA position 2593, G replaced by A.
Protein change: p.Glu865Lys; replaces glutamic acid 865 with lysine.
Molecular consequence: missense variant.
Genome position (GRCh38, 1-based): chr19:10,831,027, G>A. VCF-style: chr19-10831027-G-A. GRCh37 (hg19) VCF-style: chr19-10941703-G-A.
Other names: c.2593G>A, p.Glu865Lys (NM_001005360.3); c.2581G>A, p.Glu861Lys (NM_001005362.3, NM_004945.4); c.2590G>A, p.Glu864Lys (NM_001190716.2); short protein forms E865K, E864K, E861K.
Identifiers: ClinVar variation 585794 (VCV000585794.12), dbSNP rs746818628, ClinGen allele CA404044632.